The following is an entry in ClinVar:

NM_005219.5(DIAPH1):c.3227T>G (p.Phe1076Cys)

Gene: DIAPH1 (diaphanous related formin 1; minus strand). Cytogenetic location: 5q31.3.
Variant type: single nucleotide variant.
Coding change: c.3227T>G on transcript NM_005219.5 (MANE Select); coding-DNA position 3227, T replaced by G.
Protein change: p.Phe1076Cys; replaces phenylalanine 1076 with cysteine.
Molecular consequence: missense variant.
Genome position (GRCh38, 1-based): chr5:141,527,619, A>C on the plus strand (T>G on the coding strand, the complement: DIAPH1 is on the minus strand). VCF-style: chr5-141527619-A-C. GRCh37 (hg19) VCF-style: chr5-140907186-A-C.
Other names: c.3200T>G, p.Phe1067Cys (NM_001079812.3); c.3227T>G, p.Phe1076Cys (NM_001314007.2); short protein forms F1076C, F1067C.
Identifiers: ClinVar variation 226565 (VCV000226565.39), dbSNP rs143763573, ClinGen allele CA3478833.

ClinVar aggregate classification (germline): Benign/Likely benign. Review status: criteria provided, multiple submitters, no conflicts (2 of 4 stars). 8 submissions from 8 submitters: Benign (4); Likely benign (4). Last evaluated 2026-04-01.

Conditions:
Autosomal dominant nonsyndromic hearing loss 1. Also called: DEAFNESS, AUTOSOMAL DOMINANT 1, WITH OR WITHOUT THROMBOCYTOPENIA; KONIGSMARK SYNDROME. Identifiers: Orphanet 90635, MedGen C1852282, MONDO:0007424, OMIM 124900.
Progressive microcephaly-seizures-cortical blindness-developmental delay syndrome. Also called: Seizures, cortical blindness, and microcephaly syndrome. Identifiers: Orphanet 477814, MedGen C5567650, MONDO:0014714, OMIM 616632.

Allele frequency attached by ClinVar (database versions not stated): gnomAD exomes 0.00048 and 0.00090; ExAC 0.00104; 1000 Genomes Project 30x 0.00297; 1000 Genomes Project 0.00300; ESP Exome Variant Server 0.00313; gnomAD 0.00330 and 0.00356.
gnomAD v4.1: 1,240 of 1,612,698 alleles (0.077%); highest among the groups gnomAD compares: African/African-American, 1.3%; 11 homozygotes.

Submissions (8):

CeGaT Center for Human Genetics Tuebingen
Classification: Likely benign. Last evaluated: 2026-04-01. Review status: criteria provided, single submitter. Criteria: CeGaT Center For Human Genetics Tuebingen Variant Classification Criteria Version 2. Collection method: clinical testing. Allele origin: germline. Affected: yes. Observed: 4 variant alleles.
Comment: DIAPH1: BS1

Labcorp Genetics (formerly Invitae), Labcorp
Classification: Benign for Progressive microcephaly-seizures-cortical blindness-developmental delay syndrome; Autosomal dominant nonsyndromic hearing loss 1. Last evaluated: 2026-01-27. Review status: criteria provided, single submitter. Criteria: Invitae Variant Classification Sherloc (09022015). Collection method: clinical testing. Allele origin: germline.

Genomic Medicine Center of Excellence, King Faisal Specialist Hospital and Research Centre
Classification: Likely benign. Last evaluated: 2025-08-18. Review status: criteria provided, single submitter. Criteria: ACMG Guidelines, 2015. Collection method: clinical testing. Allele origin: germline.

Blueprint Genetics
Classification: Likely benign. Last evaluated: 2024-09-19. Review status: criteria provided, single submitter. Criteria: ACMG Guidelines, 2015. Collection method: clinical testing. Allele origin: germline.

Mayo Clinic Laboratories, Mayo Clinic
Classification: Likely benign. Last evaluated: 2023-10-31. Review status: criteria provided, single submitter. Criteria: ACMG Guidelines, 2015. Collection method: clinical testing. Allele origin: germline. Observed: 3 variant alleles.
Comment: BS1, BS2, PM1_supporting

GeneDx
Classification: Benign. Last evaluated: 2019-04-18. Review status: criteria provided, single submitter. Criteria: GeneDx Variant Classification Process June 2021. Collection method: clinical testing. Allele origin: germline. Affected: yes.
Comment: This variant is associated with the following publications: (PMID: 30819905)

Illumina Laboratory Services, Illumina
Classification: Benign for Autosomal dominant nonsyndromic hearing loss 1. Last evaluated: 2018-01-13. Review status: criteria provided, single submitter. Criteria: ICSL Variant Classification Criteria 13 December 2019. Collection method: clinical testing. Allele origin: germline.
Comment: This variant was observed in the ICSL laboratory as part of a predisposition screen in an ostensibly healthy population. It had not been previously curated by ICSL or reported in the Human Gene Mutation Database (HGMD: prior to June 1st, 2018), and was therefore a candidate for classification through an automated scoring system. Utilizing variant allele frequency, disease prevalence and penetrance estimates, and inheritance mode, an automated score was calculated to assess if this variant is too frequent to cause the disease. Based on the score and internal cut-off values, a variant classified as benign is not then subjected to further curation. The score for this variant resulted in a classification of benign for this disease.

Laboratory for Molecular Medicine, Mass General Brigham Personalized Medicine
Classification: Benign. Last evaluated: 2012-04-30. Review status: criteria provided, single submitter. Criteria: LMM Criteria. Collection method: clinical testing. Allele origin: germline. Observed: 3 variant alleles.
Comment: Phe1076Cys in Exon 24 of DIAPH1: This variant is not expected to have clinical s ignificance because it has been identified in 1.0% (31/2966) of African American chromosomes from a broad population by the NHLBI Exome Sequencing Project (dbSNP rs143763573).